The following is an entry in ClinVar:

NM_006755.2(TALDO1):c.70G>T (p.Val24Leu)

Gene: TALDO1 (transaldolase 1; plus strand). Cytogenetic location: 11p15.5.
Variant type: single nucleotide variant.
Coding change: c.70G>T on transcript NM_006755.2 (MANE Select); coding-DNA position 70, G replaced by T.
Protein change: p.Val24Leu; replaces valine 24 with leucine.
Molecular consequence: missense variant.
Genome position (GRCh38, 1-based): chr11:747,551, G>T. VCF-style: chr11-747551-G-T. GRCh37 (hg19) VCF-style: chr11-747551-G-T.
Other names: short protein forms V24L.
Identifiers: ClinVar variation 2134477 (VCV002134477.4), dbSNP rs1401876554, ClinGen allele CA378925047.
Genomic context (GRCh38, chr11:747,551, plus strand): 5'-TCACCCGTGAAGCGTCAGAGGATGGAGTCCGCGCTGGACCAGCTCAAGCAGTTCACCACC[G>T]TGGTGGCCGACACGGGCGACTTCCACGGTGAGGACGGCGCGGAGCCCGGGCGCGGCGCAA-3'
Protein context (NP_006746.1, residues 14-34): ALDQLKQFTT[Val24Leu]VADTGDFHAI

ClinVar aggregate classification (germline): Uncertain significance (1 of 4 stars; one submission).

Allele frequency attached by ClinVar (database versions not stated): gnomAD exomes below 0.00001.

Submission:

Labcorp Genetics (formerly Invitae), Labcorp
Classification: Uncertain significance. Last evaluated: 2022-05-05. Review status: criteria provided, single submitter. Criteria: Invitae Variant Classification Sherloc (09022015). Collection method: clinical testing. Allele origin: germline.
Comment: This sequence change replaces valine, which is neutral and non-polar, with leucine, which is neutral and non-polar, at codon 24 of the TALDO1 protein (p.Val24Leu). The frequency data for this variant in the population databases is considered unreliable, as metrics indicate poor data quality at this position in the gnomAD database. This variant has not been reported in the literature in individuals affected with TALDO1-related conditions. Algorithms developed to predict the effect of missense changes on protein structure and function are either unavailable or do not agree on the potential impact of this missense change (SIFT: "Deleterious"; PolyPhen-2: "Benign"; Align-GVGD: "Class C0"). In summary, the available evidence is currently insufficient to determine the role of this variant in disease. Therefore, it has been classified as a Variant of Uncertain Significance.